The following is an entry in ClinVar:

ClinVar aggregate classification (germline): Uncertain significance. Review status: criteria provided, multiple submitters, no conflicts (2 of 4 stars). 2 submissions from 2 submitters: Uncertain significance (2). Last evaluated 2025-06-15.

Allele frequency attached by ClinVar (database versions not stated): gnomAD exomes below 0.00001; TOPMed below 0.00001; ExAC 0.00001; gnomAD 0.00001.
gnomAD v4.1: 6 of 1,613,604 alleles (0.00037%); highest among the groups gnomAD compares: Non-Finnish European, 0.00051%; no homozygotes.

Submissions (2):

Labcorp Genetics (formerly Invitae), Labcorp
Classification: Uncertain significance. Last evaluated: 2025-06-15. Review status: criteria provided, single submitter. Criteria: Invitae Variant Classification Sherloc (09022015). Collection method: clinical testing. Allele origin: germline.
Comment: This sequence change replaces alanine, which is neutral and non-polar, with valine, which is neutral and non-polar, at codon 190 of the ACAD9 protein (p.Ala190Val). This variant is present in population databases (rs548599849, gnomAD 0.0009%). This missense change has been observed in individual(s) with ACAD9 deficiency (PMID: 30025539). ClinVar contains an entry for this variant (Variation ID: 425309). Invitae Evidence Modeling of protein sequence and biophysical properties (such as structural, functional, and spatial information, amino acid conservation, physicochemical variation, residue mobility, and thermodynamic stability) indicates that this missense variant is expected to disrupt ACAD9 protein function with a positive predictive value of 80%. In summary, the available evidence is currently insufficient to determine the role of this variant in disease. Therefore, it has been classified as a Variant of Uncertain Significance.

CeGaT Center for Human Genetics Tuebingen
Classification: Uncertain significance. Last evaluated: 2017-11-01. Review status: criteria provided, single submitter. Criteria: CeGaT Center For Human Genetics Tuebingen Variant Classification Criteria Version 2. Collection method: clinical testing. Allele origin: germline. Affected: yes. Observed: 1 variant allele.

Literature cited by the submitters: PubMed 30025539 (cited by Labcorp Genetics (formerly Invitae), Labcorp).

NM_014049.5(ACAD9):c.569C>T (p.Ala190Val)

Gene: ACAD9 (acyl-CoA dehydrogenase family member 9; plus strand). Cytogenetic location: 3q21.3.
Variant type: single nucleotide variant.
Coding change: c.569C>T on transcript NM_014049.5 (MANE Select); coding-DNA position 569, C replaced by T.
Protein change: p.Ala190Val; replaces alanine 190 with valine.
Molecular consequence: missense variant. On other transcripts: non-coding transcript variant (1).
Genome position (GRCh38, 1-based): chr3:128,897,646, C>T. VCF-style: chr3-128897646-C-T. GRCh37 (hg19) VCF-style: chr3-128616489-C-T.
Other names: short protein forms A190V.
Identifiers: ClinVar variation 425309 (VCV000425309.46), dbSNP rs548599849, ClinGen allele CA2601194.